The following is an entry in ClinVar:

NM_006031.6(PCNT):c.934C>T (p.Arg312Trp)

Gene: PCNT (pericentrin; plus strand). Cytogenetic location: 21q22.3.
Variant type: single nucleotide variant.
Coding change: c.934C>T on transcript NM_006031.6 (MANE Select); coding-DNA position 934, C replaced by T.
Protein change: p.Arg312Trp; replaces arginine 312 with tryptophan.
Molecular consequence: missense variant.
Genome position (GRCh38, 1-based): chr21:46,346,956, C>T. VCF-style: chr21-46346956-C-T. GRCh37 (hg19) VCF-style: chr21-47766870-C-T.
Other names: c.580C>T, p.Arg194Trp (NM_001315529.2); short protein forms R312W, R194W.
Identifiers: ClinVar variation 429553 (VCV000429553.14), dbSNP rs572076735, ClinGen allele CA10078449.

ClinVar aggregate classification (germline): Uncertain significance. Review status: criteria provided, multiple submitters, no conflicts (2 of 4 stars). 7 submissions from 7 submitters: Uncertain significance (7). Last evaluated 2026-04-10.

Conditions:
PCNT-related disorder. Also called: PCNT-related condition.
Inborn genetic diseases. Identifiers: MedGen C0950123, MeSH D030342.
Microcephalic osteodysplastic primordial dwarfism type II (MOPD2). Also called: OSTEODYSPLASTIC PRIMORDIAL DWARFISM, TYPE II; Microcephalic osteodysplastic primordial dwarfism with tooth abnormalities; MOPD II. Identifiers: Orphanet 2637, MedGen C0432246, MONDO:0008872, OMIM 210720.

Allele frequency attached by ClinVar (database versions not stated): TOPMed 0.00012; gnomAD 0.00015; 1000 Genomes Project 30x 0.00016; ExAC 0.00016; 1000 Genomes Project 0.00020.
gnomAD v4.1: 118 of 1,596,716 alleles (0.0074%); highest among the groups gnomAD compares: Middle Eastern, 0.02%; 1 homozygote.

Submissions (7):

PreventionGenetics, part of Exact Sciences
Classification: Uncertain significance for PCNT-related condition. Last evaluated: 2026-04-10. Review status: criteria provided, single submitter. Criteria: ACMG Guidelines, 2015. Collection method: clinical testing. Allele origin: germline.
Comment: The PCNT c.934C>T variant is predicted to result in the amino acid substitution p.Arg312Trp. To our knowledge, this variant has not been reported in the literature. This variant is reported in 0.023% of alleles in individuals of European (Finnish) descent in gnomAD, including a homozygous individual. Although we suspect that this variant may be benign, at this time, the clinical significance of this variant is uncertain due to the absence of conclusive functional and genetic evidence.

Labcorp Genetics (formerly Invitae), Labcorp
Classification: Uncertain significance. Last evaluated: 2025-11-10. Review status: criteria provided, single submitter. Criteria: Invitae Variant Classification Sherloc (09022015). Collection method: clinical testing. Allele origin: germline.
Comment: This sequence change replaces arginine, which is basic and polar, with tryptophan, which is neutral and slightly polar, at codon 312 of the PCNT protein (p.Arg312Trp). This variant is present in population databases (rs572076735, gnomAD 0.03%), including at least one homozygous and/or hemizygous individual. This variant has not been reported in the literature in individuals affected with PCNT-related conditions. ClinVar contains an entry for this variant (Variation ID: 429553). An algorithm developed to predict the effect of missense changes on protein structure and function (PolyPhen-2) suggests that this variant is likely to be disruptive. In summary, the available evidence is currently insufficient to determine the role of this variant in disease. Therefore, it has been classified as a Variant of Uncertain Significance.

Blueprint Genetics
Classification: Uncertain significance. Last evaluated: 2024-09-06. Review status: criteria provided, single submitter. Criteria: ACMG Guidelines, 2015. Collection method: clinical testing. Allele origin: germline.

Ambry Genetics
Classification: Uncertain significance for Inborn genetic diseases. Last evaluated: 2021-08-10. Review status: criteria provided, single submitter. Criteria: Ambry Variant Classification Scheme 2023. Collection method: clinical testing. Allele origin: germline.

Fulgent Genetics
Classification: Uncertain significance for Microcephalic osteodysplastic primordial dwarfism type II. Last evaluated: 2021-07-12. Review status: criteria provided, single submitter. Criteria: ACMG Guidelines, 2015. Collection method: clinical testing. Allele origin: unknown.

Institute for Clinical Genetics, University Hospital TU Dresden, University Hospital TU Dresden
Classification: Uncertain significance. Last evaluated: 2021-07-05. Review status: criteria provided, single submitter. Criteria: ACMG Guidelines, 2015. Collection method: clinical testing. Allele origin: paternal.

GeneDx
Classification: Uncertain significance. Last evaluated: 2017-05-12. Review status: criteria provided, single submitter. Criteria: GeneDx Variant Classification (06012015). Collection method: clinical testing. Allele origin: germline. Affected: yes.
Comment: A variant of uncertain significance has been identified in the PCNT gene. The R312W variant has not been published as a pathogenic variant, nor has it been reported as a benign variant to our knowledge. The R312W variant is observed in 7/36,328 (0.02%) alleles from individuals of European background (Lek et al., 2016; 1000 Genomes Consortium et al., 2015; Exome Variant Server). The R312W variant is a non-conservative amino acid substitution, which is likely to impact secondary protein structure as these residues differ in polarity, charge, size and/or other properties. This substitution occurs at a position that is conserved in mammals. In silico analysis is inconsistent in its predictions as to whether or not the variant is damaging to the protein structure/function. Based on the currently available information, it is unclear whether this variant is a pathogenic variant or a rare benign variant.